The following is an entry in ClinVar:

ClinVar aggregate classification (germline): Uncertain significance. Review status: criteria provided, multiple submitters, no conflicts (2 of 4 stars). 2 submissions from 2 submitters: Uncertain significance (2). Last evaluated 2022-03-23.

Allele frequency attached by ClinVar (database versions not stated): ExAC 0.00001; gnomAD exomes 0.00001; gnomAD 0.00003; TOPMed 0.00008; 1000 Genomes Project 30x 0.00016; 1000 Genomes Project 0.00020.
gnomAD v4.1: 13 of 1,613,202 alleles (0.00081%); highest among the groups gnomAD compares: Admixed American, 0.017%; 1 homozygote.

Submissions (2):

Mayo Clinic Laboratories, Mayo Clinic
Classification: Uncertain significance. Last evaluated: 2022-03-23. Review status: criteria provided, single submitter. Criteria: ACMG Guidelines, 2015. Collection method: clinical testing. Allele origin: germline. Observed: 1 variant allele.
Comment: BP4, PM2

Ambry Genetics
Classification: Uncertain significance. Last evaluated: 2021-09-17. Review status: criteria provided, single submitter. Criteria: Ambry Variant Classification Scheme 2023. Collection method: clinical testing. Allele origin: germline.

NM_022772.4(EPS8L2):c.89A>G (p.Lys30Arg)

Gene: EPS8L2 (EPS8 signaling adaptor L2; plus strand). Cytogenetic location: 11p15.5.
Variant type: single nucleotide variant.
Coding change: c.89A>G on transcript NM_022772.4 (MANE Select); coding-DNA position 89, A replaced by G.
Protein change: p.Lys30Arg; replaces lysine 30 with arginine.
Molecular consequence: missense variant.
Genome position (GRCh38, 1-based): chr11:709,597, A>G. VCF-style: chr11-709597-A-G. GRCh37 (hg19) VCF-style: chr11-709597-A-G.
Other names: p.Lys30Arg; short protein forms K30R.
Identifiers: ClinVar variation 2359223 (VCV002359223.3), dbSNP rs553614983, ClinGen allele CA5787003.